The following is an entry in ClinVar:

NM_001256545.2(MEGF10):c.1166C>T (p.Pro389Leu)

Gene: MEGF10 (multiple EGF like domains 10; plus strand). Cytogenetic location: 5q23.2.
Variant type: single nucleotide variant.
Coding change: c.1166C>T on transcript NM_001256545.2 (MANE Select); coding-DNA position 1166, C replaced by T.
Protein change: p.Pro389Leu; replaces proline 389 with leucine.
Molecular consequence: missense variant.
Genome position (GRCh38, 1-based): chr5:127,417,673, C>T. VCF-style: chr5-127417673-C-T. GRCh37 (hg19) VCF-style: chr5-126753365-C-T.
Other names: c.1166C>T (NM_032446.2); c.1166C>T, p.Pro389Leu (NM_001308119.2, NM_001308121.2, NM_032446.3); short protein forms P389L.
Identifiers: ClinVar variation 1016198 (VCV001016198.5), dbSNP rs141706024, ClinGen allele CA3391516.

ClinVar aggregate classification (germline): Uncertain significance. Review status: criteria provided, multiple submitters, no conflicts (2 of 4 stars). 2 submissions from 2 submitters: Uncertain significance (2). Last evaluated 2023-10-05.

Conditions:
Inborn genetic diseases. Identifiers: MedGen C0950123, MeSH D030342.
MEGF10-related myopathy (CMYO10A). Also called: Congenital myopathy 10A, severe variant. Identifiers: Orphanet 439212, MedGen C3280679, MONDO:0013731, OMIM 614399.

Allele frequency attached by ClinVar (database versions not stated): gnomAD exomes 0.00001; ExAC 0.00002; TOPMed 0.00005; gnomAD 0.00007; ESP Exome Variant Server 0.00008.
gnomAD v4.1: 28 of 1,613,998 alleles (0.0017%); highest among the groups gnomAD compares: African/African-American, 0.015%; no homozygotes.

Submissions (2):

Ambry Genetics
Classification: Uncertain significance for Inborn genetic diseases. Last evaluated: 2023-10-05. Review status: criteria provided, single submitter. Criteria: Ambry Variant Classification Scheme 2023. Collection method: clinical testing. Allele origin: germline.

Labcorp Genetics (formerly Invitae), Labcorp
Classification: Uncertain significance for MEGF10-related myopathy. Last evaluated: 2022-06-27. Review status: criteria provided, single submitter. Criteria: Invitae Variant Classification Sherloc (09022015). Collection method: clinical testing. Allele origin: germline.
Comment: This sequence change replaces proline, which is neutral and non-polar, with leucine, which is neutral and non-polar, at codon 389 of the MEGF10 protein (p.Pro389Leu). This variant is present in population databases (rs141706024, gnomAD 0.01%). This variant has not been reported in the literature in individuals affected with MEGF10-related conditions. ClinVar contains an entry for this variant (Variation ID: 1016198). Algorithms developed to predict the effect of missense changes on protein structure and function are either unavailable or do not agree on the potential impact of this missense change (SIFT: "Deleterious"; PolyPhen-2: "Possibly Damaging"; Align-GVGD: "Class C15"). In summary, the available evidence is currently insufficient to determine the role of this variant in disease. Therefore, it has been classified as a Variant of Uncertain Significance.